The following is an entry in ClinVar:

ClinVar aggregate classification (germline): Uncertain significance (1 of 4 stars; one submission).

Submission:

CeGaT Center for Human Genetics Tuebingen
Classification: Uncertain significance. Last evaluated: 2025-08-01. Review status: criteria provided, single submitter. Criteria: CeGaT Center For Human Genetics Tuebingen Variant Classification Criteria Version 2. Collection method: clinical testing. Allele origin: germline. Affected: yes. Observed: 1 variant allele.
Comment: SET: PM2, PP3

NM_003011.4(SET):c.779A>G (p.Asp260Gly)

Gene: SET (SET nuclear proto-oncogene; plus strand). Cytogenetic location: 9q34.11.
Variant type: single nucleotide variant.
Coding change: c.779A>G on transcript NM_003011.4 (MANE Select); coding-DNA position 779, A replaced by G.
Protein change: p.Asp260Gly; replaces aspartic acid 260 with glycine.
Molecular consequence: missense variant.
Genome position (GRCh38, 1-based): chr9:128,694,011, A>G. VCF-style: chr9-128694011-A-G. GRCh37 (hg19) VCF-style: chr9-131456290-A-G.
Other names: c.818A>G, p.Asp273Gly (NM_001122821.2, NM_001374326.1); c.752A>G, p.Asp251Gly (NM_001248000.2); c.746A>G, p.Asp249Gly (NM_001248001.2); short protein forms D249G, D251G, D260G, D273G.
Identifiers: ClinVar variation 4085599 (VCV004085599.8).